The following is an entry in ClinVar:

ClinVar aggregate classification (germline): Likely benign. Review status: criteria provided, multiple submitters, no conflicts (2 of 4 stars). 2 submissions from 2 submitters: Likely benign (2). Last evaluated 2024-12-08.

Conditions:
Hypertrophic cardiomyopathy 2. Also called: TNNT2-Related Familial Hypertrophic Cardiomyopathy. Identifiers: MedGen C1861864, MONDO:0007266, OMIM 115195.
Dilated cardiomyopathy 1D. Identifiers: Orphanet 154, Orphanet 54260, MedGen C1832243, MONDO:0011095, OMIM 601494.
Cardiomyopathy, familial restrictive, 3. Identifiers: Orphanet 75249, MedGen C2676271, MONDO:0012900, OMIM 612422.
Cardiomyopathy (CMYO). Also called: Cardiomyopathies. Identifiers: Orphanet 167848, MedGen C0878544, MONDO:0004994, HP:0001638. Inheritance: Various modes of inheritance.

Submissions (2):

Labcorp Genetics (formerly Invitae), Labcorp
Classification: Likely benign for Cardiomyopathy, familial restrictive, 3; Hypertrophic cardiomyopathy 2; Dilated cardiomyopathy 1D. Last evaluated: 2024-12-08. Review status: criteria provided, single submitter. Criteria: Invitae Variant Classification Sherloc (09022015). Collection method: clinical testing. Allele origin: germline.

All of Us Research Program, National Institutes of Health
Classification: Likely benign for Cardiomyopathy. Last evaluated: 2024-07-20. Review status: criteria provided, single submitter. Criteria: ACMG Guidelines, 2015. Collection method: clinical testing. Allele origin: germline. Inheritance: Autosomal dominant inheritance. Observed: 2 variant alleles, 2 heterozygotes.
Comment: This study involves interpretation of variants in research participants for the purpose of population health screening. Participant phenotype was not available at the time of variant classification. Additional details can be found in publication PMID: 35346344, PMCID: PMC8962531

NM_001276345.2(TNNT2):c.295-10C>T

Gene: TNNT2 (troponin T2, cardiac type; minus strand). Cytogenetic location: 1q32.1.
Variant type: single nucleotide variant.
Coding change: c.295-10C>T on transcript NM_001276345.2 (MANE Select); 10 bases into the intron before coding-DNA position 295, C replaced by T.
Molecular consequence: intron variant.
Genome position (GRCh38, 1-based): chr1:201,365,317, G>A on the plus strand (C>T on the coding strand, the complement: TNNT2 is on the minus strand). VCF-style: chr1-201365317-G-A. GRCh37 (hg19) VCF-style: chr1-201334445-G-A.
Other names: c.265-10C>T (NM_001406727.1, NM_001406724.1, NM_001001431.3 and 3 more transcripts); c.250-10C>T (NM_001001432.3, NM_001406728.1); c.262-10C>T (NM_001406725.1); c.291+293C>T (NM_001276346.2); c.295-10C>T (NM_000364.4, NM_001406723.1).
Identifiers: ClinVar variation 3072814 (VCV003072814.4), dbSNP rs2527017810, ClinGen allele CA2825000862.
Genomic context (GRCh38, chr1:201,365,317, plus strand): 5'-CAGCGCCTGCAACTCATTCAGGTCCTTCTCCATGCGCTTCCGGTGGATGTCCTGTGGGTG[G>A]ACCGCTGCGGCTCAGAGGCTGCCACTCCAAAGAGTCCAGAGGAGAGATGGGTGGGCTAGA-3'